The following is an entry in ClinVar:

NM_000090.4(COL3A1):c.3721G>A (p.Val1241Ile)

Gene: COL3A1 (collagen type III alpha 1 chain; plus strand). Cytogenetic location: 2q32.2.
Variant type: single nucleotide variant.
Coding change: c.3721G>A on transcript NM_000090.4 (MANE Select); coding-DNA position 3721, G replaced by A.
Protein change: p.Val1241Ile; replaces valine 1241 with isoleucine.
Molecular consequence: missense variant.
Genome position (GRCh38, 1-based): chr2:189,009,119, G>A. VCF-style: chr2-189009119-G-A. GRCh37 (hg19) VCF-style: chr2-189873845-G-A.
Other names: short protein forms V1241I.
Identifiers: ClinVar variation 3894127 (VCV003894127.1).
Genomic context (GRCh38, chr2:189,009,119, plus strand): 5'-GGAGATGAACCAATGGATTTCAAAATCAACACCGATGAGATTATGACTTCACTCAAGTCT[G>A]TTAATGGACAAATAGAAAGCCTCATTAGTCCTGATGGTTCTCGTAAAAACCCCGCTAGAA-3'
Protein context (NP_000081.2, residues 1231-1251): TDEIMTSLKS[Val1241Ile]NGQIESLISP

ClinVar aggregate classification (germline): Uncertain significance (1 of 4 stars; one submission).

Conditions:
Familial thoracic aortic aneurysm and aortic dissection (TAAD). Also called: Thoracic aortic aneurysms and dissections. Identifiers: Orphanet 91387, MedGen C4707243, MONDO:0019625.

Submission:

Color Diagnostics, LLC DBA Color Health
Classification: Uncertain significance for Familial thoracic aortic aneurysm and aortic dissection. Last evaluated: 2024-10-28. Review status: criteria provided, single submitter. Criteria: ACMG Guidelines, 2015. Collection method: clinical testing. Allele origin: germline.
Comment: This missense variant replaces valine with isoleucine at codon 1241 of the COL3A1 protein. Computational prediction suggests that this variant may not impact protein structure and function (internally defined REVEL score threshold <= 0.5, PMID: 27666373). To our knowledge, functional studies have not been reported for this variant. This variant has not been reported in individuals affected with COL3A1-related disorders in the literature. This variant has not been identified in the general population by the Genome Aggregation Database (gnomAD). The available evidence is insufficient to determine the role of this variant in disease conclusively. Therefore, this variant is classified as a Variant of Uncertain Significance.